The following is an entry in ClinVar:

NM_181776.3(SLC36A2):c.437del (p.Gly146fs)

Gene: SLC36A2 (solute carrier family 36 member 2; minus strand). Cytogenetic location: 5q33.1.
Variant type: Deletion.
Coding change: c.437del on transcript NM_181776.3 (MANE Select); coding-DNA position 437, one base deleted (G; older notation c.437delG).
Protein change: p.Gly146fs; shifts the reading frame from glycine 146.
Molecular consequence: frameshift variant.
Genome position (GRCh38, 1-based): chr5:151,342,891, C deleted on the plus strand (G on the coding strand, the reverse complement: SLC36A2 is on the minus strand); the first of 4 consecutive C bases (chr5:151,342,891-151,342,894); deleting any one gives the same sequence. VCF-style (leftmost placement, unchanged base first): chr5-151342890-TC-T. GRCh37 (hg19) VCF-style: chr5-150722451-TC-T.
Other names: short protein forms G146fs.
Identifiers: ClinVar variation 4747187 (VCV004747187.1).

ClinVar aggregate classification (germline): Uncertain significance (1 of 4 stars; one submission).

Submission:

Labcorp Genetics (formerly Invitae), Labcorp
Classification: Uncertain significance. Last evaluated: 2025-04-28. Review status: criteria provided, single submitter. Criteria: Invitae Variant Classification Sherloc (09022015). Collection method: clinical testing. Allele origin: germline.
Comment: This sequence change creates a premature translational stop signal (p.Gly146Glufs*5) in the SLC36A2 gene. It is expected to result in an absent or disrupted protein product. However, the current clinical and genetic evidence is not sufficient to establish whether loss-of-function variants in SLC36A2 cause disease. This variant is not present in population databases (gnomAD no frequency). This variant has not been reported in the literature in individuals affected with SLC36A2-related conditions. In summary, the available evidence is currently insufficient to determine the role of this variant in disease. Therefore, it has been classified as a Variant of Uncertain Significance.